The following is an entry in ClinVar:

ClinVar aggregate classification (germline): Uncertain significance (1 of 4 stars; one submission).

Conditions:
Wilms tumor 1 (WT1). Also called: Wilms tumor, somatic. Identifiers: Orphanet 654, MedGen CN033288, MONDO:0008679, OMIM 194070.

Submission:

Labcorp Genetics (formerly Invitae), Labcorp
Classification: Uncertain significance for Wilms tumor 1. Last evaluated: 2023-11-17. Review status: criteria provided, single submitter. Criteria: Invitae Variant Classification Sherloc (09022015). Collection method: clinical testing. Allele origin: germline.
Comment: This variant, c.1729_1731del, results in the deletion of 1 amino acid(s) of the GPC3 protein (p.Phe577del), but otherwise preserves the integrity of the reading frame. This variant is present in population databases (no rsID available, gnomAD 0.001%), including at least one homozygous and/or hemizygous individual. This variant has not been reported in the literature in individuals affected with GPC3-related conditions. Experimental studies and prediction algorithms are not available or were not evaluated, and the functional significance of this variant is currently unknown. In summary, the available evidence is currently insufficient to determine the role of this variant in disease. Therefore, it has been classified as a Variant of Uncertain Significance.

NM_004484.4(GPC3):c.1723TTC[2] (p.Phe577del)

Gene: GPC3 (glypican 3; minus strand). Cytogenetic location: Xq26.2.
Variant type: Microsatellite.
Coding change: c.1723TTC[2] on transcript NM_004484.4 (MANE Select); two copies in a row of the 3-base unit TTC starting at c.1723; the reference has three copies in a row; one copy, 3 bases deleted.
Protein change: p.Phe577del; deletes phenylalanine 577.
Molecular consequence: inframe deletion.
Genome position (GRCh38, 1-based): chrX:133,536,136-133,536,138, GAA deleted on the plus strand (TTC on the coding strand, the reverse complement: GPC3 is on the minus strand); deleting any 3 consecutive bases within chrX:133,536,136-133,536,145 gives the same sequence; the position shown is the placement nearest the transcript's 3' end. VCF-style (leftmost placement, unchanged base first): chrX-133536135-GGAA-G. GRCh37 (hg19) VCF-style: chrX-132670163-GGAA-G.
Other names: c.1792TTC[2], p.Phe600del (NM_001164617.2); c.1675TTC[2], p.Phe561del (NM_001164618.2); c.1561TTC[2], p.Phe523del (NM_001164619.2); short protein forms F523del, F561del, F577del, F600del.
Identifiers: ClinVar variation 1017218 (VCV001017218.9), dbSNP rs1269354535, ClinGen allele CA644535850.